The following is an entry in ClinVar:

NM_001904.4(CTNNB1):c.698A>G (p.Lys233Arg)

Genes: CTNNB1 (catenin beta 1; plus strand), LOC126806658 (BRD4-independent group 4 enhancer GRCh37_chr3:41265899-41267098; plus strand). Cytogenetic location: 3p22.1.
Variant type: single nucleotide variant.
Coding change: c.698A>G on transcript NM_001904.4 (MANE Select); coding-DNA position 698, A replaced by G.
Protein change: p.Lys233Arg; replaces lysine 233 with arginine.
Molecular consequence: missense variant.
Genome position (GRCh38, 1-based): chr3:41,225,536, A>G. VCF-style: chr3-41225536-A-G. GRCh37 (hg19) VCF-style: chr3-41267027-A-G.
Other names: c.698A>G, p.Lys233Arg (NM_001098209.2, NM_001098210.2); c.677A>G, p.Lys226Arg (NM_001330729.2); short protein forms K226R, K233R.
Identifiers: ClinVar variation 3646116 (VCV003646116.2).

ClinVar aggregate classification (germline): Uncertain significance (1 of 4 stars; one submission).

Submission:

Labcorp Genetics (formerly Invitae), Labcorp
Classification: Uncertain significance. Last evaluated: 2025-03-31. Review status: criteria provided, single submitter. Criteria: Invitae Variant Classification Sherloc (09022015). Collection method: clinical testing. Allele origin: germline.
Comment: This sequence change replaces lysine, which is basic and polar, with arginine, which is basic and polar, at codon 233 of the CTNNB1 protein (p.Lys233Arg). This variant is not present in population databases (gnomAD no frequency). This variant has not been reported in the literature in individuals affected with CTNNB1-related conditions. Invitae Evidence Modeling of protein sequence and biophysical properties (such as structural, functional, and spatial information, amino acid conservation, physicochemical variation, residue mobility, and thermodynamic stability) has been performed for this missense variant. However, the output from this modeling did not meet the statistical confidence thresholds required to predict the impact of this variant on CTNNB1 protein function. In summary, the available evidence is currently insufficient to determine the role of this variant in disease. Therefore, it has been classified as a Variant of Uncertain Significance.